The following is an entry in ClinVar:

NM_198578.4(LRRK2):c.3906G>C (p.Leu1302=)

Gene: LRRK2 (leucine rich repeat kinase 2; plus strand). Cytogenetic location: 12q12.
Variant type: single nucleotide variant.
Coding change: c.3906G>C on transcript NM_198578.4 (MANE Select); coding-DNA position 3906, G replaced by C.
Protein change: p.Leu1302=; no amino-acid change (leucine 1302 retained).
Molecular consequence: synonymous variant.
Genome position (GRCh38, 1-based): chr12:40,305,913, G>C. VCF-style: chr12-40305913-G-C. GRCh37 (hg19) VCF-style: chr12-40699715-G-C.
Identifiers: ClinVar variation 1736061 (VCV001736061.27), dbSNP rs144488089, ClinGen allele CA6514039.

ClinVar aggregate classification (germline): Benign/Likely benign. Review status: criteria provided, multiple submitters, no conflicts (2 of 4 stars). 3 submissions from 3 submitters: Benign (1); Likely benign (2). Last evaluated 2026-01-26.

Conditions:
Autosomal dominant Parkinson disease 8. Also called: LRRK2-Related Parkinson Disease; Parkinson disease 8; Parkinson disease 8, susceptibility to. Identifiers: Orphanet 411602, MedGen C1846862, MONDO:0011764, OMIM 607060.
Inborn genetic diseases. Identifiers: MedGen C0950123, MeSH D030342.

Allele frequency attached by ClinVar (database versions not stated): gnomAD exomes 0.00001; ExAC 0.00006; gnomAD 0.00009; TOPMed 0.00013; ESP Exome Variant Server 0.00023; 1000 Genomes Project 0.00040; 1000 Genomes Project 30x 0.00047.
gnomAD v4.1: 24 of 1,612,724 alleles (0.0015%); highest among the groups gnomAD compares: African/African-American, 0.031%; no homozygotes.

Submissions (3):

Labcorp Genetics (formerly Invitae), Labcorp
Classification: Benign for Autosomal dominant Parkinson disease 8. Last evaluated: 2026-01-26. Review status: criteria provided, single submitter. Criteria: Invitae Variant Classification Sherloc (09022015). Collection method: clinical testing. Allele origin: germline.

CeGaT Center for Human Genetics Tuebingen
Classification: Likely benign. Last evaluated: 2022-12-01. Review status: criteria provided, single submitter. Criteria: CeGaT Center For Human Genetics Tuebingen Variant Classification Criteria Version 2. Collection method: clinical testing. Allele origin: germline. Affected: yes. Observed: 1 variant allele.
Comment: LRRK2: BP4, BP7

Ambry Genetics
Classification: Likely benign for Inborn genetic diseases. Last evaluated: 2022-02-17. Review status: criteria provided, single submitter. Criteria: Ambry Variant Classification Scheme 2023. Collection method: clinical testing. Allele origin: germline.